The following is an entry in ClinVar:

ClinVar aggregate classification (germline): Uncertain significance (1 of 4 stars; one submission).

Conditions:
Atrial fibrillation, familial, 6 (ATFB6). Identifiers: MedGen C2677294, MONDO:0012816, OMIM 612201.

gnomAD v4.1: 1 of 1,613,662 alleles (0.000062%); highest among the groups gnomAD compares: Middle Eastern, 0.017%; no homozygotes.

Submission:

Labcorp Genetics (formerly Invitae), Labcorp
Classification: Uncertain significance for Atrial fibrillation, familial, 6. Last evaluated: 2024-05-12. Review status: criteria provided, single submitter. Criteria: Invitae Variant Classification Sherloc (09022015). Collection method: clinical testing. Allele origin: germline.
Comment: This sequence change replaces serine, which is neutral and polar, with arginine, which is basic and polar, at codon 75 of the NPPA protein (p.Ser75Arg). This variant is not present in population databases (gnomAD no frequency). This variant has not been reported in the literature in individuals affected with NPPA-related conditions. An algorithm developed to predict the effect of missense changes on protein structure and function (PolyPhen-2) suggests that this variant is likely to be disruptive. In summary, the available evidence is currently insufficient to determine the role of this variant in disease. Therefore, it has been classified as a Variant of Uncertain Significance.

NM_006172.4(NPPA):c.225C>G (p.Ser75Arg)

Genes: NPPA (natriuretic peptide A; minus strand), NPPA-AS1 (NPPA antisense RNA 1; plus strand), LOC114827827 (VISTA enhancer hs2123; plus strand). Cytogenetic location: 1p36.22.
Variant type: single nucleotide variant.
Coding change: c.225C>G on transcript NM_006172.4 (MANE Select); coding-DNA position 225, C replaced by G.
Protein change: p.Ser75Arg; replaces serine 75 with arginine.
Molecular consequence: missense variant.
Genome position (GRCh38, 1-based): chr1:11,847,338, G>C on the plus strand (C>G on the coding strand, the complement: NPPA is on the minus strand). VCF-style: chr1-11847338-G-C. GRCh37 (hg19) VCF-style: chr1-11907395-G-C.
Other names: short protein forms S75R.
Identifiers: ClinVar variation 3645649 (VCV003645649.2).